The following is an entry in ClinVar:

NM_004247.4(EFTUD2):c.426+8G>A

Gene: EFTUD2 (elongation factor Tu GTP binding domain containing 2; minus strand). Cytogenetic location: 17q21.31.
Variant type: single nucleotide variant.
Coding change: c.426+8G>A on transcript NM_004247.4 (MANE Select); 8 bases into the intron after coding-DNA position 426, G replaced by A.
Molecular consequence: intron variant.
Genome position (GRCh38, 1-based): chr17:44,883,641, C>T on the plus strand (G>A on the coding strand, the complement: EFTUD2 is on the minus strand). VCF-style: chr17-44883641-C-T. GRCh37 (hg19) VCF-style: chr17-42961009-C-T.
Other names: c.321+8G>A (NM_001142605.2); c.426+8G>A (NM_001258354.2, NM_001258353.2).
Identifiers: ClinVar variation 128972 (VCV000128972.23), dbSNP rs2289677, ClinGen allele CA152694.

ClinVar aggregate classification (germline): Benign. Review status: criteria provided, multiple submitters, no conflicts (2 of 4 stars). 10 submissions from 10 submitters: Benign (6). 4 of the submissions do not count toward it. Last evaluated 2026-02-03.

Conditions:
Mandibulofacial dysostosis-microcephaly syndrome (MFDGA). Also called: Growth and mental retardation, mandibulofacial dysostosis, microcephaly, and cleft palate; Mandibulofacial dysostosis, Guion-Almeida type. Identifiers: Orphanet 79113, MedGen C1864652, MONDO:0012516, OMIM 610536.

Allele frequency attached by ClinVar (database versions not stated): 1000 Genomes Project 0.56050; gnomAD exomes 0.56127; 1000 Genomes Project 30x 0.56730; ExAC 0.56925; gnomAD 0.61459 and 0.62345; TOPMed 0.61500; ESP Exome Variant Server 0.64309.
gnomAD v4.1: 960,019 of 1,610,642 alleles (60%); highest among the groups gnomAD compares: African/African-American, 73%; 289,269 homozygotes.

Submissions (10):

Labcorp Genetics (formerly Invitae), Labcorp
Classification: Benign. Last evaluated: 2026-02-03. Review status: criteria provided, single submitter. Criteria: Invitae Variant Classification Sherloc (09022015). Collection method: clinical testing. Allele origin: germline.

Blueprint Genetics
Classification: Benign. Last evaluated: 2024-11-28. Review status: criteria provided, single submitter. Criteria: ACMG Guidelines, 2015. Collection method: clinical testing. Allele origin: germline.

Genome-Nilou Lab
Classification: Benign for Mandibulofacial dysostosis-microcephaly syndrome. Last evaluated: 2021-07-30. Review status: criteria provided, single submitter. Criteria: ACMG Guidelines, 2015. Collection method: clinical testing. Allele origin: germline. Affected: no.

GeneDx
Classification: Benign. Last evaluated: 2018-07-03. Review status: criteria provided, single submitter. Criteria: GeneDx Variant Classification Process June 2021. Collection method: clinical testing. Allele origin: germline. Affected: yes.

Breakthrough Genomics
Classification: Benign. Review status: criteria provided, single submitter. Criteria: ACMG Guidelines, 2015. Collection method: not provided. Allele origin: germline. Inheritance: Autosomal dominant inheritance. Affected: yes.

PreventionGenetics, part of Exact Sciences
Classification: Benign. Review status: criteria provided, single submitter. Criteria: ACMG Guidelines, 2015. Collection method: clinical testing. Allele origin: germline.

Clinical Genetics DNA and cytogenetics Diagnostics Lab, Erasmus MC, Erasmus Medical Center
Classification: Benign. Review status: no assertion criteria provided. Collection method: clinical testing. Allele origin: germline. Affected: yes. Study: VKGL Data-share Consensus. Not counted in ClinVar's aggregate classification.

Diagnostic Laboratory, Department of Genetics, University Medical Center Groningen
Classification: Benign for Mandibulofacial dysostosis-microcephaly syndrome. Review status: no assertion criteria provided. Collection method: clinical testing. Allele origin: germline. Affected: yes. Study: VKGL Data-share Consensus. Not counted in ClinVar's aggregate classification.

Genetic Services Laboratory, University of Chicago
Classification: Likely benign for AllHighlyPenetrant. Review status: no assertion criteria provided. Collection method: clinical testing. Allele origin: germline. Inheritance: Autosomal dominant inheritance. Not counted in ClinVar's aggregate classification.
Comment: Likely benign based on allele frequency in 1000 Genomes Project or ESP global frequency and its presence in a patient with a rare or unrelated disease phenotype. NOT Sanger confirmed.

Joint Genome Diagnostic Labs from Nijmegen and Maastricht, Radboudumc and MUMC+
Classification: Benign. Review status: no assertion criteria provided. Collection method: clinical testing. Allele origin: germline. Affected: yes. Study: VKGL Data-share Consensus. Not counted in ClinVar's aggregate classification.